The following is an entry in ClinVar:

NC_000013.10:g.(?_32918675)_(32921053_?)del

Gene: BRCA2 (BRCA2 DNA repair associated; plus strand). Cytogenetic location: 13q13.1.
Variant type: Deletion.
Identifiers: ClinVar variation 1074102 (VCV001074102.8).

ClinVar aggregate classification (germline): Pathogenic (1 of 4 stars; one submission).

Conditions:
Hereditary breast ovarian cancer syndrome. Also called: Hereditary breast and ovarian cancer syndrome (HBOC); Hereditary breast and/or ovarian cancer syndrome; Hereditary breast and ovarian cancer; BRCA1- and BRCA2-Associated Hereditary Breast and Ovarian Cancer; Hereditary breast and ovarian cancer syndrome; Breast and ovarian cancer. Identifiers: Orphanet 145, MedGen C0677776, MeSH D061325, MONDO:0003582. Disease mechanism: loss of function.

Submission:

Labcorp Genetics (formerly Invitae), Labcorp
Classification: Pathogenic for Hereditary breast ovarian cancer syndrome. Last evaluated: 2023-07-10. Review status: criteria provided, single submitter. Criteria: Invitae Variant Classification Sherloc (09022015). Collection method: clinical testing. Allele origin: germline.
Comment: This variant is a gross deletion of the genomic region encompassing exon(s) 12-13 of the BRCA2 gene. This deletion is out-of-frame, and is expected to create a premature termination codon and result in an absent or disrupted protein product. Loss-of-function variants in BRCA2 are known to be pathogenic (PMID: 20104584). A similar copy number variant has been observed in individual(s) with breast cancer (PMID: 11284040, 15548676, 16950820). For these reasons, this variant has been classified as Pathogenic.

Literature cited by the submitters: PubMed 20104584; PubMed 11284040; PubMed 15548676; PubMed 16950820.